The following is an entry in ClinVar:

NM_006361.6(HOXB13):c.708G>A (p.Ala236=)

Gene: HOXB13 (homeobox B13; minus strand). Cytogenetic location: 17q21.32.
Variant type: single nucleotide variant.
Coding change: c.708G>A on transcript NM_006361.6 (MANE Select); coding-DNA position 708, G replaced by A.
Protein change: p.Ala236=; no amino-acid change (alanine 236 retained).
Molecular consequence: synonymous variant.
Genome position (GRCh38, 1-based): chr17:48,726,937, C>T on the plus strand (G>A on the coding strand, the complement: HOXB13 is on the minus strand). VCF-style: chr17-48726937-C-T. GRCh37 (hg19) VCF-style: chr17-46804299-C-T.
Identifiers: ClinVar variation 826828 (VCV000826828.14), dbSNP rs555201890, ClinGen allele CA291349100.

ClinVar aggregate classification (germline): Benign/Likely benign. Review status: criteria provided, multiple submitters, no conflicts (2 of 4 stars). 3 submissions from 3 submitters: Benign (1); Likely benign (2). Last evaluated 2025-12-24.

Conditions:
Prostate cancer, hereditary, 9 (HPC9). Identifiers: Orphanet 1331, MedGen C1970250, MONDO:0012597, OMIM 610997.
Hereditary cancer-predisposing syndrome. Also called: Neoplastic Syndromes, Hereditary; Tumor predisposition; Hereditary neoplastic syndrome; Hereditary Cancer Syndrome. Identifiers: Orphanet 140162, MedGen C0027672, MeSH D009386, MONDO:0015356.

Allele frequency attached by ClinVar (database versions not stated): gnomAD exomes below 0.00001.
gnomAD v4.1: 9 of 1,613,904 alleles (0.00056%); highest among the groups gnomAD compares: Non-Finnish European, 0.00076%; no homozygotes.

Submissions (3):

Labcorp Genetics (formerly Invitae), Labcorp
Classification: Likely benign. Last evaluated: 2025-12-24. Review status: criteria provided, single submitter. Criteria: Invitae Variant Classification Sherloc (09022015). Collection method: clinical testing. Allele origin: germline.

Myriad Genetics, Inc.
Classification: Benign for Prostate cancer, hereditary, 9. Last evaluated: 2024-10-30. Review status: criteria provided, single submitter. Criteria: Myriad Autosomal Dominant, Autosomal Recessive and X-Linked Classification Criteria (2023). Collection method: clinical testing. Allele origin: unknown.
Comment: This variant is considered benign. This variant is a silent/synonymous amino acid change and it is not expected to impact splicing.

Ambry Genetics
Classification: Likely benign for Hereditary cancer-predisposing syndrome. Last evaluated: 2018-01-29. Review status: criteria provided, single submitter. Criteria: Ambry Variant Classification Scheme 2023. Collection method: clinical testing. Allele origin: germline.